The following continues an entry in ClinVar:

NM_024675.4(PALB2):c.2792T>G (p.Leu931Arg)

Gene: PALB2. ClinVar aggregate classification (germline): Conflicting classifications of pathogenicity. Uncertain significance (10); Benign (1); Likely benign (1).

Submissions 10 to 16 of 16:

Women's Health and Genetics/Laboratory Corporation of America, LabCorp
Classification: Uncertain significance. Last evaluated: 2022-09-26. Review status: criteria provided, single submitter. Criteria: LabCorp Variant Classification Summary - May 2015. Collection method: clinical testing. Allele origin: germline.
Comment: Variant summary: PALB2 c.2792T>G (p.Leu931Arg) results in a non-conservative amino acid change located in the WD40 domain (IPR031920) of the encoded protein sequence. Four of five in-silico tools predict a damaging effect of the variant on protein function. The variant allele was found at a frequency of 2.4e-05 in 251898 control chromosomes. The available data on variant occurrences in the general population are insufficient to allow any conclusion about variant significance. c.2792T>G has been reported in the literature in individuals affected with Breast Cancer (Couch_2015, Penkert_2018, Catucci_2014, Solmaz_2021), ovarian cancer (Krivokuca_2019), and colorectal cancer (Staninova-Stojovska_2019), without strong evidence for causality. These reports do not provide unequivocal conclusions about association of the variant with Breast Cancer. At least one publication reports experimental evidence evaluating an impact on homology directed repair and shows no significant impact on PALB2 function (Boonen_2019, Wiltshire_2020). Seven clinical diagnostic laboratories have submitted clinical-significance assessments for this variant to ClinVar after 2014 without evidence for independent evaluation. All laboratories classified the variant as uncertain significance. Based on the evidence outlined above, the variant was classified as uncertain significance.

MGZ Medical Genetics Center
Classification: Uncertain significance for Familial cancer of breast. Last evaluated: 2022-01-12. Review status: criteria provided, single submitter. Criteria: ACMG Guidelines, 2015. Collection method: clinical testing. Allele origin: germline. Affected: yes. Observed: 1 variant allele.
Comment: ACMG criteria applied: PS4_MOD, PM2_SUP, BS3

GeneKor MSA
Classification: Uncertain significance for Hereditary cancer-predisposing syndrome. Last evaluated: 2018-08-01. Review status: criteria provided, single submitter. Criteria: ACMG Guidelines, 2015. Collection method: clinical testing. Allele origin: germline. Affected: yes.

Zotz-Klimas Genetics Lab, MVZ Zotz Klimas
Classification: Uncertain significance for Breast-ovarian cancer, familial, susceptibility to, 5. Last evaluated: 2023-11-02. Review status: no assertion criteria provided. Collection method: clinical testing. Allele origin: germline. Affected: yes. Not counted in ClinVar's aggregate classification.

Leiden Open Variation Database
Classification: Uncertain significance for Familial cancer of breast. Last evaluated: 2019-05-13. Review status: no assertion criteria provided. Collection method: curation. Allele origin: germline. Affected: yes. Not counted in ClinVar's aggregate classification.
Comment: Curators: Marc Tischkowitz, Arleen D. Auerbach. Submitter to LOVD: Marc Tischkowitz.

Bioscientia Institut fuer Medizinische Diagnostik GmbH, Sonic Healthcare
Classification: Uncertain significance for Familial cancer of breast. Review status: no assertion criteria provided. Collection method: clinical testing. Allele origin: germline. Affected: yes. Not counted in ClinVar's aggregate classification.

Department of Pathology and Laboratory Medicine, Sinai Health System
Classification: Uncertain significance for Malignant tumor of breast. Review status: no assertion criteria provided. Collection method: clinical testing. Allele origin: unknown. Affected: yes. Observed: 1 variant allele. Study: The Canadian Open Genetics Repository (COGR). Not counted in ClinVar's aggregate classification.
Comment: The PALB2 p.Leu931Arg variant was identified in 3 of 4798 proband chromosomes (frequency: 0.0006) from individuals or families with breast cancer and was not identified in 1568 control chromosomes from healthy individuals (Catucci 2014, Couch 2015, ). The variant was also identified in dbSNP (ID: rs773831304) as "With Uncertain significance allele", ClinVar (classified as uncertain significance by Ambry Genetics, Invitae, GeneDx, Color Genomics and one clinical laboratory), and in LOVD 3.0 (2x) databases. The variant was not identified in Cosmic, MutDB, and Zhejiang University databases. The variant was identified in control databases in 3 of 245710 chromosomes at a frequency of 0.00001 (Genome Aggregation Database Feb 27, 2017). The variant was observed in European population in 3 of 111378 chromosomes (freq: 0.00003), while the variant was not observed in the African, Other, Latino, Ashkenazi Jewish, East Asian, Finnish, and South Asian populations. The p.Leu931 residue is not conserved in mammals and computational analyses (PolyPhen-2, SIFT, AlignGVGD, BLOSUM, MutationTaster) do not suggest a high likelihood of impact to the protein; however, this information is not predictive enough to rule out pathogenicity. The variant occurs outside of the splicing consensus sequence and 1 of 5 in silico or computational prediction software programs (SpliceSiteFinder, MaxEntScan, NNSPLICE, GeneSplicer, HumanSpliceFinder) predict a greater than 10% difference in splicing; this is not very predictive of pathogenicity. In summary, based on the above information the clinical significance of this variant cannot be determined with certainty at this time. This variant is classified as a variant of uncertain significance.

Literature cited by the submitters: PubMed 25085752 (cited by Myriad Genetics, Inc.); PubMed 24556926 (cited by 6 submitters); PubMed 25452441 (cited by 6 submitters); PubMed 29522266 (cited by 3 submitters); PubMed 30086788 (cited by 5 submitters); PubMed 30651582 (cited by 5 submitters); PubMed 33980423 (cited by 4 submitters); PubMed 31636395 (cited by 5 submitters); PubMed 31757951 (cited by 5 submitters); PubMed 31159747 (cited by 4 submitters); PubMed 31942411 (cited by 3 submitters); PubMed 33471991 (cited by 3 submitters); PubMed 32658311 (cited by Quest Diagnostics Nichols Institute San Juan Capistrano and Women's Health and Genetics/Laboratory Corporation of America, LabCorp).